The following is an entry in ClinVar:

ClinVar aggregate classification (germline): Likely pathogenic. Review status: criteria provided, multiple submitters, no conflicts (2 of 4 stars). 3 submissions from 3 submitters: Likely pathogenic (3). Last evaluated 2025-08-21.

Conditions:
Autosomal dominant Alport syndrome (ATS3A). Also called: ALPORT SYNDROME 3A, AUTOSOMAL DOMINANT; Alport syndrome dominant type; Renal failure and sensorineural hearing loss. Identifiers: Orphanet 63, Orphanet 88918, MedGen C5882663, MONDO:0007086, OMIM 104200.
Autosomal recessive Alport syndrome (ATS2). Also called: Alport syndrome type 2; COL4A3-Related Nephropathy; ALPORT SYNDROME 2, AUTOSOMAL RECESSIVE; COL4A4 Alport Syndrome and Thin Basement Membrane Nephropathy. Identifiers: Orphanet 63, Orphanet 88919, MedGen C4746745, MONDO:0008762, OMIM 203780.
Benign familial hematuria. Also called: thin basement membrane disease. Identifiers: MedGen C0241908, MONDO:0957317.
Alport syndrome. Also called: Hemorrhagic familial nephritis; Hemorrhagic hereditary nephritis; Congenital hereditary hematuria. Identifiers: Orphanet 63, MedGen C1567741, MONDO:0018965.

Submissions (3):

Natera, Inc.
Classification: Likely pathogenic for Alport syndrome. Last evaluated: 2025-08-21. Review status: criteria provided, single submitter. Criteria: Natera Variant Classification Schema (03/2026). Collection method: clinical testing. Allele origin: germline.
Comment: The c.1391G>A variant in COL4A3 is a missense variant predicted to cause substitution of glycine to glutamic acid at amino acid 464. This variant is rare in the general population with a frequency below the threshold expected for the associated phenotype(s). This variant is located in a functionally critical region of the protein. A different variant at the same position has been determined to be Pathogenic or Likely Pathogenic. Computational prediction algorithms indicate this variant is likely to affect gene or protein function. Given the available evidence, this variant is classified as Likely Pathogenic.

Fulgent Genetics
Classification: Likely pathogenic for Autosomal dominant Alport syndrome; Hematuria, benign familial, 1; Autosomal recessive Alport syndrome. Last evaluated: 2021-09-29. Review status: criteria provided, single submitter. Criteria: ACMG Guidelines, 2015. Collection method: clinical testing. Allele origin: unknown.

Labcorp Genetics (formerly Invitae), Labcorp
Classification: Likely pathogenic. Last evaluated: 2021-03-15. Review status: criteria provided, single submitter. Criteria: Invitae Variant Classification Sherloc (09022015). Collection method: clinical testing. Allele origin: germline.
Comment: In summary, the currently available evidence indicates that the variant is pathogenic, but additional data are needed to prove that conclusively. Therefore, this variant has been classified as Likely Pathogenic. This variant disrupts the p.Gly464 amino acid residue in COL4A3. Other variant(s) that disrupt this residue have been determined to be pathogenic (PMID: 14582039). This suggests that this residue is clinically significant, and that variants that disrupt this residue are likely to be disease-causing. Advanced modeling of protein sequence and biophysical properties (such as structural, functional, and spatial information, amino acid conservation, physicochemical variation, residue mobility, and thermodynamic stability) performed at Invitae indicates that this missense variant is expected to disrupt COL4A3 protein function. This variant has been observed in individual(s) with clinical features of Alport syndrome (Invitae). This variant is not present in population databases (ExAC no frequency). This sequence change replaces glycine with glutamic acid at codon 464 of the COL4A3 protein (p.Gly464Glu). The glycine residue is highly conserved and there is a moderate physicochemical difference between glycine and glutamic acid.

Literature cited by the submitters: PubMed 14582039 (cited by Labcorp Genetics (formerly Invitae), Labcorp).

NM_000091.5(COL4A3):c.1391G>A (p.Gly464Glu)

Genes: COL4A3 (collagen type IV alpha 3 chain; plus strand), MFF-DT (MFF divergent transcript; minus strand). Cytogenetic location: 2q36.3.
Variant type: single nucleotide variant.
Coding change: c.1391G>A on transcript NM_000091.5 (MANE Select); coding-DNA position 1391, G replaced by A.
Protein change: p.Gly464Glu; replaces glycine 464 with glutamic acid.
Molecular consequence: missense variant.
Genome position (GRCh38, 1-based): chr2:227,266,492, G>A. VCF-style: chr2-227266492-G-A. GRCh37 (hg19) VCF-style: chr2-228131208-G-A.
Other names: c.1391G>A (NM_000091.4); short protein forms G464E.
Identifiers: ClinVar variation 1470896 (VCV001470896.10), dbSNP rs2125981235, ClinGen allele CA350870191.